The following is an entry in ClinVar:

ClinVar aggregate classification (germline): Uncertain significance (1 of 4 stars; one submission).

Conditions:
Developmental and epileptic encephalopathy. Identifiers: MedGen C5779964, MONDO:0100620.

Submission:

Labcorp Genetics (formerly Invitae), Labcorp
Classification: Uncertain significance for Early infantile epileptic encephalopathy with suppression bursts. Last evaluated: 2019-11-19. Review status: criteria provided, single submitter. Criteria: Invitae Variant Classification Sherloc (09022015). Collection method: clinical testing. Allele origin: germline.
Comment: This sequence change replaces threonine with arginine at codon 875 of the SCN1A protein (p.Thr875Arg). The threonine residue is highly conserved and there is a moderate physicochemical difference between threonine and arginine. This variant is not present in population databases (ExAC no frequency). This variant has not been reported in the literature in individuals with SCN1A-related conditions. Algorithms developed to predict the effect of missense changes on protein structure and function (SIFT, PolyPhen-2, Align-GVGD) all suggest that this variant is likely to be disruptive, but these predictions have not been confirmed by published functional studies and their clinical significance is uncertain. This variant disrupts the p.Thr875 amino acid residue in SCN1A. Other variant(s) that disrupt this residue have been determined to be pathogenic (PMID: 10742094, 12086636, 11567038, 14702334). This suggests that this residue is clinically significant, and that variants that disrupt this residue are likely to be disease-causing. In summary, the available evidence is currently insufficient to determine the role of this variant in disease. Therefore, it has been classified as a Variant of Uncertain Significance.

Literature cited by the submitters: PubMed 12086636; PubMed 14702334; PubMed 11567038; PubMed 10742094.

NM_001165963.4(SCN1A):c.2624C>G (p.Thr875Arg)

Gene: SCN1A (sodium voltage-gated channel alpha subunit 1; minus strand). Cytogenetic location: 2q24.3.
Variant type: single nucleotide variant.
Coding change: c.2624C>G on transcript NM_001165963.4 (MANE Select); coding-DNA position 2624, C replaced by G.
Protein change: p.Thr875Arg; replaces threonine 875 with arginine.
Molecular consequence: missense variant. On other transcripts: non-coding transcript variant (1).
Genome position (GRCh38, 1-based): chr2:166,038,098, G>C on the plus strand (C>G on the coding strand, the complement: SCN1A is on the minus strand). VCF-style: chr2-166038098-G-C. GRCh37 (hg19) VCF-style: chr2-166894608-G-C.
Other names: c.2540C>G, p.Thr847Arg (NM_001165964.3, NM_001353957.2, NM_001353958.2); c.2624C>G, p.Thr875Arg (NM_001202435.3, NM_001353948.2); c.2591C>G, p.Thr864Arg (NM_001353949.2, NM_001353950.2, NM_001353951.2 and 2 more transcripts); c.2588C>G, p.Thr863Arg (NM_001353954.2, NM_001353955.2); c.2537C>G, p.Thr846Arg (NM_001353960.2); c.182C>G, p.Thr61Arg (NM_001353961.2); short protein forms T847R, T864R, T875R, T61R, T846R, T863R.
Identifiers: ClinVar variation 834846 (VCV000834846.2), dbSNP rs121918623, ClinGen allele CA349061726.